The following is an entry in ClinVar:

ClinVar aggregate classification (germline): Conflicting classifications of pathogenicity. Review status: criteria provided, conflicting classifications (1 of 4 stars). 9 submissions from 9 submitters: Uncertain significance (5); Likely benign (3). 1 of the submissions does not count toward it. Last evaluated 2026-07-01.

Conditions:
RASopathy. Also called: Noonan spectrum disorder; rasopathies. Identifiers: Orphanet 536391, MedGen C5555857, MONDO:0021060.
Noonan syndrome and Noonan-related syndrome. Identifiers: Orphanet 98733, MedGen C5681679, MONDO:0020297.
Noonan syndrome (NS). Also called: Noonan's syndrome. Identifiers: Orphanet 648, MedGen C0028326, MeSH D009634, MONDO:0018997. Disease mechanism: gain of function.
SOS1-related disorder. Also called: SOS1-related condition.
Cardiovascular phenotype. Identifiers: MedGen CN230736.

Allele frequency attached by ClinVar (database versions not stated): ExAC 0.00001; gnomAD exomes 0.00001 and 0.00010; gnomAD 0.00002 and 0.00003; TOPMed 0.00002.
gnomAD v4.1: 142 of 1,613,850 alleles (0.0088%); highest among the groups gnomAD compares: Non-Finnish European, 0.011%; no homozygotes.

Submissions (9):

PreventionGenetics, part of Exact Sciences
Classification: Uncertain significance for SOS1-related condition. Last evaluated: 2026-07-01. Review status: criteria provided, single submitter. Criteria: ACMG Guidelines, 2015. Collection method: clinical testing. Allele origin: germline.
Comment: The SOS1 c.3836C>T variant is predicted to result in the amino acid substitution p.Thr1279Ile. To our knowledge, this variant has not been reported in the literature. This variant is reported in 0.0031% of alleles in individuals of European (Non-Finnish) descent in gnomAD. At this time, the clinical significance of this variant is uncertain due to the absence of conclusive functional and genetic evidence.

Labcorp Genetics (formerly Invitae), Labcorp
Classification: Likely benign for RASopathy. Last evaluated: 2026-01-19. Review status: criteria provided, single submitter. Criteria: Invitae Variant Classification Sherloc (09022015). Collection method: clinical testing. Allele origin: germline.

Ambry Genetics
Classification: Uncertain significance for Cardiovascular phenotype. Last evaluated: 2025-01-27. Review status: criteria provided, single submitter. Criteria: Ambry Variant Classification Scheme 2023. Collection method: clinical testing. Allele origin: germline.

Blueprint Genetics
Classification: Likely benign. Last evaluated: 2024-10-09. Review status: criteria provided, single submitter. Criteria: ACMG Guidelines, 2015. Collection method: clinical testing. Allele origin: germline.

Women's Health and Genetics/Laboratory Corporation of America, LabCorp
Classification: Uncertain significance. Last evaluated: 2023-02-13. Review status: criteria provided, single submitter. Criteria: LabCorp Variant Classification Summary - May 2015. Collection method: clinical testing. Allele origin: germline.

Mayo Clinic Laboratories, Mayo Clinic
Classification: Uncertain significance. Last evaluated: 2022-10-17. Review status: criteria provided, single submitter. Criteria: ACMG Guidelines, 2015. Collection method: clinical testing. Allele origin: germline. Observed: 4 variant alleles.
Comment: BP4

GeneDx
Classification: Likely benign. Last evaluated: 2020-10-21. Review status: criteria provided, single submitter. Criteria: GeneDx Variant Classification Process June 2021. Collection method: clinical testing. Allele origin: germline. Affected: yes.

Genome Diagnostics Laboratory, The Hospital for Sick Children
Classification: Uncertain significance for Noonan syndrome and Noonan-related syndrome. Last evaluated: 2020-04-01. Review status: criteria provided, single submitter. Criteria: ACMG Guidelines, 2015. Collection method: clinical testing. Allele origin: germline.

Service de Génétique Moléculaire, Hôpital Robert Debré
Classification: Likely benign for Noonan syndrome. Review status: no assertion criteria provided. Collection method: clinical testing. Allele origin: paternal. Affected: no. Not counted in ClinVar's aggregate classification.

NM_005633.4(SOS1):c.3836C>T (p.Thr1279Ile)

Gene: SOS1 (SOS Ras/Rac guanine nucleotide exchange factor 1; minus strand). Cytogenetic location: 2p22.1.
Variant type: single nucleotide variant.
Coding change: c.3836C>T on transcript NM_005633.4 (MANE Select); coding-DNA position 3836, C replaced by T.
Protein change: p.Thr1279Ile; replaces threonine 1279 with isoleucine.
Molecular consequence: missense variant.
Genome position (GRCh38, 1-based): chr2:38,985,990, G>A on the plus strand (C>T on the coding strand, the complement: SOS1 is on the minus strand). VCF-style: chr2-38985990-G-A. GRCh37 (hg19) VCF-style: chr2-39213131-G-A.
Other names: p.Thr1279Ile; c.3815C>T, p.Thr1272Ile (NM_001382394.1); c.3791C>T, p.Thr1264Ile (NM_001382395.1); short protein forms T1279I, T1264I, T1272I.
Identifiers: ClinVar variation 572542 (VCV000572542.23), dbSNP rs758258471, ClinGen allele CA1624106.